The following is an entry in ClinVar:

ClinVar aggregate classification (germline): Uncertain significance (1 of 4 stars; one submission).

Submission:

GeneDx
Classification: Uncertain significance. Last evaluated: 2026-06-25. Review status: criteria provided, single submitter. Criteria: GeneDx Variant Classification Process June 2021. Collection method: clinical testing. Allele origin: germline.
Comment: Not observed at significant frequency in large population cohorts (gnomAD); In silico analysis suggests that this missense variant does not alter protein structure/function; Has not been previously published as pathogenic or benign to our knowledge

NM_001039591.3(USP9X):c.707T>C (p.Ile236Thr)

Gene: USP9X (ubiquitin specific peptidase 9 X-linked; plus strand). Cytogenetic location: Xp11.4.
Variant type: single nucleotide variant.
Coding change: c.707T>C on transcript NM_001039591.3 (MANE Select); coding-DNA position 707, T replaced by C.
Protein change: p.Ile236Thr; replaces isoleucine 236 with threonine.
Molecular consequence: missense variant.
Genome position (GRCh38, 1-based): chrX:41,140,708, T>C. VCF-style: chrX-41140708-T-C. GRCh37 (hg19) VCF-style: chrX-40999961-T-C.
Other names: c.707T>C, p.Ile236Thr (NM_001039590.3, NM_001410748.1, NM_001410749.1); short protein forms I236T.
Identifiers: ClinVar variation 4070861 (VCV004070861.2).